The following is an entry in ClinVar:

NM_004006.3(DMD):c.3277-152A>G

Gene: DMD (dystrophin; minus strand). Cytogenetic location: Xp21.1.
Variant type: single nucleotide variant.
Coding change: c.3277-152A>G on transcript NM_004006.3 (MANE Select); 152 bases into the intron before coding-DNA position 3277, A replaced by G.
Molecular consequence: intron variant.
Genome position (GRCh38, 1-based): chrX:32,463,746, T>C on the plus strand (A>G on the coding strand, the complement: DMD is on the minus strand). VCF-style: chrX-32463746-T-C. GRCh37 (hg19) VCF-style: chrX-32481863-T-C.
Other names: c.3253-152A>G (NM_000109.4); c.3265-152A>G (NM_004009.3); c.2908-152A>G (NM_004010.3).
Identifiers: ClinVar variation 671084 (VCV000671084.1), dbSNP rs170608, ClinGen allele CA328001950.
Genomic context (GRCh38, chrX:32,463,746, plus strand): 5'-ATGGCATTGCATATGGATTTTTGTCTTTTAAAATCTGAGATACAGAGATATTGATATAGA[T>C]GACTGCCTAACAGTCTTGCAAAAATGTTCAATGGTTATTATGGCATGAATCCAGTGGGGA-3'

ClinVar aggregate classification (germline): Benign (1 of 4 stars; one submission).

Allele frequency attached by ClinVar (database versions not stated): 1000 Genomes Project 30x 0.65744; gnomAD 0.66557; 1000 Genomes Project 0.66596; TOPMed 0.63801.

Submission:

GeneDx
Classification: Benign. Last evaluated: 2018-06-14. Review status: criteria provided, single submitter. Criteria: GeneDx Variant Classification (06012015). Collection method: clinical testing. Allele origin: germline. Affected: yes.
Comment: This variant is considered likely benign or benign based on one or more of the following criteria: it is a conservative change, it occurs at a poorly conserved position in the protein, it is predicted to be benign by multiple in silico algorithms, and/or has population frequency not consistent with disease.